The following is an entry in ClinVar:

ClinVar aggregate classification (germline): Conflicting classifications of pathogenicity. Review status: criteria provided, conflicting classifications (1 of 4 stars). 2 submissions from 2 submitters: Uncertain significance (1); Likely benign (1). Last evaluated 2025-08-19.

Conditions:
Inborn genetic diseases. Identifiers: MedGen C0950123, MeSH D030342.

gnomAD v4.1: 2 of 1,601,716 alleles (0.00012%); highest among the groups gnomAD compares: African/African-American, 0.0027%; no homozygotes.

Submissions (2):

Ambry Genetics
Classification: Likely benign for Inborn genetic diseases. Last evaluated: 2025-08-19. Review status: criteria provided, single submitter. Criteria: Ambry Variant Classification Scheme 2023. Collection method: clinical testing. Allele origin: germline.

Labcorp Genetics (formerly Invitae), Labcorp
Classification: Uncertain significance. Last evaluated: 2022-04-05. Review status: criteria provided, single submitter. Criteria: Invitae Variant Classification Sherloc (09022015). Collection method: clinical testing. Allele origin: germline.
Comment: This sequence change replaces valine, which is neutral and non-polar, with isoleucine, which is neutral and non-polar, at codon 836 of the CDHR1 protein (p.Val836Ile). This variant is not present in population databases (gnomAD no frequency). This variant has not been reported in the literature in individuals affected with CDHR1-related conditions. Advanced modeling of protein sequence and biophysical properties (such as structural, functional, and spatial information, amino acid conservation, physicochemical variation, residue mobility, and thermodynamic stability) performed at Invitae indicates that this missense variant is not expected to disrupt CDHR1 protein function. In summary, the available evidence is currently insufficient to determine the role of this variant in disease. Therefore, it has been classified as a Variant of Uncertain Significance.

NM_033100.4(CDHR1):c.2506G>A (p.Val836Ile)

Gene: CDHR1 (cadherin related family member 1; plus strand). Cytogenetic location: 10q23.1.
Variant type: single nucleotide variant.
Coding change: c.2506G>A on transcript NM_033100.4 (MANE Select); coding-DNA position 2506, G replaced by A.
Protein change: p.Val836Ile; replaces valine 836 with isoleucine.
Molecular consequence: missense variant. On other transcripts: intron variant (1).
Genome position (GRCh38, 1-based): chr10:84,214,547, G>A. VCF-style: chr10-84214547-G-A. GRCh37 (hg19) VCF-style: chr10-85974303-G-A.
Other names: c.2040+1199G>A (NM_001171971.3); c.2506G>A (NM_033100.2); short protein forms V836I.
Identifiers: ClinVar variation 1488008 (VCV001488008.4), dbSNP rs994272082, ClinGen allele CA377380217.